The following is an entry in ClinVar:

ClinVar aggregate classification (germline): Pathogenic. Review status: criteria provided, multiple submitters, no conflicts (2 of 4 stars). 3 submissions from 3 submitters: Pathogenic (3). Last evaluated 2025-04-30.

Conditions:
Hereditary cancer-predisposing syndrome. Also called: Tumor predisposition; Hereditary neoplastic syndrome; Neoplastic Syndromes, Hereditary; Hereditary Cancer Syndrome. Identifiers: Orphanet 140162, MedGen C0027672, MeSH D009386, MONDO:0015356.
Familial cancer of breast. Also called: Hereditary breast cancer; hereditary breast carcinoma; BREAST CANCER, FAMILIAL. Identifiers: Orphanet 227535, MedGen C0346153, MONDO:0016419, OMIM 114480. Disease mechanism: loss of function.

Submissions (3):

Ambry Genetics
Classification: Pathogenic for Hereditary cancer-predisposing syndrome. Last evaluated: 2025-04-30. Review status: criteria provided, single submitter. Criteria: Ambry Variant Classification Scheme 2023. Collection method: clinical testing. Allele origin: germline.
Comment: The c.2067_2068delGCinsTT pathogenic mutation, located in coding exon 5 of the PALB2 gene, results from a deletion of GC and insertion of TT at nucleotide positions 2067 to 2068, causing a translational frameshift with a predicted alternate stop codon (p.Q690*). This variant is considered to be rare based on population cohorts in the Genome Aggregation Database (gnomAD). This alteration is expected to result in loss of function by premature protein truncation or nonsense-mediated mRNA decay. As such, this alteration is interpreted as a disease-causing mutation.

Myriad Genetics, Inc.
Classification: Pathogenic for Familial cancer of breast. Last evaluated: 2023-09-12. Review status: criteria provided, single submitter. Criteria: Myriad Autosomal Dominant, Autosomal Recessive and X-Linked Classification Criteria (2023). Collection method: clinical testing. Allele origin: unknown.
Comment: This variant is considered pathogenic. This variant creates a termination codon and is predicted to result in premature protein truncation.

Labcorp Genetics (formerly Invitae), Labcorp
Classification: Pathogenic for Familial cancer of breast. Last evaluated: 2022-02-05. Review status: criteria provided, single submitter. Criteria: Invitae Variant Classification Sherloc (09022015). Collection method: clinical testing. Allele origin: germline.
Comment: Information on the frequency of this variant in the gnomAD database is not available, as this variant may be reported differently in the database. This sequence change creates a premature translational stop signal (p.Gln690*) in the PALB2 gene. It is expected to result in an absent or disrupted protein product. Loss-of-function variants in PALB2 are known to be pathogenic (PMID: 17200668, 17200671, 17200672, 24136930, 25099575). This variant has not been reported in the literature in individuals affected with PALB2-related conditions. For these reasons, this variant has been classified as Pathogenic. ClinVar contains an entry for this variant (Variation ID: 1070669).

Literature cited by the submitters: PubMed 17200668 (cited by Labcorp Genetics (formerly Invitae), Labcorp); PubMed 17200671 (cited by Labcorp Genetics (formerly Invitae), Labcorp); PubMed 17200672 (cited by Labcorp Genetics (formerly Invitae), Labcorp); PubMed 24136930 (cited by Labcorp Genetics (formerly Invitae), Labcorp); PubMed 25099575 (cited by Labcorp Genetics (formerly Invitae), Labcorp).

NM_024675.4(PALB2):c.2067_2068delinsTT (p.Gln690Ter)

Gene: PALB2 (partner and localizer of BRCA2; minus strand). Cytogenetic location: 16p12.2.
Variant type: Indel.
Coding change: c.2067_2068delinsTT on transcript NM_024675.4 (MANE Select); coding-DNA positions 2067 to 2068, GC replaced by TT.
Protein change: p.Gln690Ter; replaces glutamine 690 with a stop codon.
Molecular consequence: nonsense.
Genome position (GRCh38, 1-based): chr16:23,630,086-23,630,087, GC replaced by AA on the plus strand (GC replaced by TT on the coding strand, the reverse complement: PALB2 is on the minus strand). VCF-style: chr16-23630086-GC-AA. GRCh37 (hg19) VCF-style: chr16-23641407-GC-AA.
Other names: c.2067_2068delGCinsTT (NM_024675.3); short protein forms Q690*.
Identifiers: ClinVar variation 1070669 (VCV001070669.11), dbSNP rs2142382015, ClinGen allele CA2499223429.
Genomic context (GRCh38, chr16:23,630,086, plus strand): 5'-TATTTAAAGGAGTATAAAGTAATATGGATGAAGAAAGGCCCGTCTTTGTATGCTGGCTTT[GC>AA]GAGTTTGGCCTTTTGGGATGTGATTTTCCTGGTAGAACAATAAGGTCCTCTTCTAAGTCC-3'